The following is an entry in ClinVar:

ClinVar aggregate classification (germline): Likely benign. Review status: criteria provided, multiple submitters, no conflicts (2 of 4 stars). 2 submissions from 2 submitters: Likely benign (2). Last evaluated 2024-05-14.

Conditions:
Cardiomyopathy (CMYO). Also called: Cardiomyopathies. Identifiers: Orphanet 167848, MedGen C0878544, MONDO:0004994, HP:0001638. Inheritance: Various modes of inheritance.

gnomAD v4.1: 1 of 1,613,698 alleles (0.000062%); highest among the groups gnomAD compares: South Asian, 0.0011%; no homozygotes.

Submissions (2):

All of Us Research Program, National Institutes of Health
Classification: Likely benign for Cardiomyopathy. Last evaluated: 2024-05-14. Review status: criteria provided, single submitter. Criteria: ACMG Guidelines, 2015. Collection method: clinical testing. Allele origin: germline. Inheritance: Autosomal dominant inheritance. Observed: 1 variant allele, 1 heterozygote.
Comment: This study involves interpretation of variants in research participants for the purpose of population health screening. Participant phenotype was not available at the time of variant classification. Additional details can be found in publication PMID: 35346344, PMCID: PMC8962531

Color Diagnostics, LLC DBA Color Health
Classification: Likely benign for Cardiomyopathy. Last evaluated: 2024-04-24. Review status: criteria provided, single submitter. Criteria: ACMG Guidelines, 2015. Collection method: clinical testing. Allele origin: germline.

NM_001276345.2(TNNT2):c.720-5T>C

Gene: TNNT2 (troponin T2, cardiac type; minus strand). Cytogenetic location: 1q32.1.
Variant type: single nucleotide variant.
Coding change: c.720-5T>C on transcript NM_001276345.2 (MANE Select); 5 bases into the intron before coding-DNA position 720, T replaced by C.
Molecular consequence: intron variant.
Genome position (GRCh38, 1-based): chr1:201,361,374, A>G on the plus strand (T>C on the coding strand, the complement: TNNT2 is on the minus strand). VCF-style: chr1-201361374-A-G. GRCh37 (hg19) VCF-style: chr1-201330502-A-G.
Other names: c.681-5T>C (NM_001406727.1, NM_001001431.3, NM_001406726.1); c.690-5T>C (NM_001406724.1, NM_001001430.3, NM_001276347.2); c.672-5T>C (NM_001001432.3); c.675-5T>C (NM_001406728.1); c.687-5T>C (NM_001406725.1); c.591-5T>C (NM_001276346.2); c.711-5T>C (NM_000364.4, NM_001406723.1).
Identifiers: ClinVar variation 3386115 (VCV003386115.2).